The following is an entry in ClinVar:

ClinVar aggregate classification (germline): Uncertain significance (1 of 4 stars; one submission).

Conditions:
Hereditary hemorrhagic telangiectasia (HHT). Also called: ORW DISEASE; Osler Weber Rendu syndrome; OSLER-RENDU-WEBER DISEASE; Osler hemorrhagic telangiectasia syndrome. Identifiers: Orphanet 774, MedGen C0039445, MONDO:0019180. Disease mechanism: loss of function.

Submission:

Labcorp Genetics (formerly Invitae), Labcorp
Classification: Uncertain significance for Hereditary hemorrhagic telangiectasia. Last evaluated: 2021-06-28. Review status: criteria provided, single submitter. Criteria: Invitae Variant Classification Sherloc (09022015). Collection method: clinical testing. Allele origin: germline.
Comment: In summary, the available evidence is currently insufficient to determine the role of this variant in disease. Therefore, it has been classified as a Variant of Uncertain Significance. Algorithms developed to predict the effect of missense changes on protein structure and function are either unavailable or do not agree on the potential impact of this missense change (SIFT: "Tolerated"; PolyPhen-2: "Probably Damaging"; Align-GVGD: "Class C0"). This variant has not been reported in the literature in individuals with ENG-related conditions. This variant is not present in population databases (ExAC no frequency). This sequence change replaces serine with cysteine at codon 329 of the ENG protein (p.Ser329Cys). The serine residue is moderately conserved and there is a moderate physicochemical difference between serine and cysteine.

NM_001114753.3(ENG):c.985A>T (p.Ser329Cys)

Gene: ENG (endoglin; minus strand). Cytogenetic location: 9q34.11.
Variant type: single nucleotide variant.
Coding change: c.985A>T on transcript NM_001114753.3 (MANE Select); coding-DNA position 985, A replaced by T.
Protein change: p.Ser329Cys; replaces serine 329 with cysteine.
Molecular consequence: missense variant.
Genome position (GRCh38, 1-based): chr9:127,824,806, T>A on the plus strand (A>T on the coding strand, the complement: ENG is on the minus strand). VCF-style: chr9-127824806-T-A. GRCh37 (hg19) VCF-style: chr9-130587085-T-A.
Other names: c.985A>T, p.Ser329Cys (NM_000118.4, NM_001406715.1); c.439A>T, p.Ser147Cys (NM_001278138.2); short protein forms S329C, S147C.
Identifiers: ClinVar variation 1512479 (VCV001512479.9), dbSNP rs1280918470, ClinGen allele CA374981908.